The following is an entry in ClinVar:

ClinVar aggregate classification (germline): Pathogenic (1 of 4 stars; one submission).

Conditions:
Branchiootorenal syndrome 1. Also called: Branchio-Oto-Renal Syndrome 1. Identifiers: Orphanet 107, MedGen C4551702, MONDO:0007236, OMIM 113650.

Submission:

Institute of Rare Diseases, West China Hospital, Sichuan University
Classification: Pathogenic for Branchiootorenal syndrome 1. Last evaluated: 2025-01-09. Review status: criteria provided, single submitter. Criteria: ClinGen HL ACMG Specifications v1. Collection method: research. Allele origin: germline. Affected: yes.
Comment: PVS1;PS2;PM2_Supporting

NM_000503.6(EYA1):c.1123_1129del (p.Phe375fs)

Gene: EYA1 (EYA transcriptional coactivator and phosphatase 1; minus strand). Cytogenetic location: 8q13.3.
Variant type: Deletion.
Coding change: c.1123_1129del on transcript NM_000503.6 (MANE Select); coding-DNA positions 1123 to 1129, 7 bases deleted (TTTTTTA; older notation c.1123_1129delTTTTTTA).
Protein change: p.Phe375fs; shifts the reading frame from phenylalanine 375.
Molecular consequence: frameshift variant. On other transcripts: intron variant (2).
Genome position (GRCh38, 1-based): chr8:71,244,614-71,244,620, TAAAAAA deleted on the plus strand (TTTTTTA on the coding strand, the reverse complement: EYA1 is on the minus strand); deleting any 7 consecutive bases within chr8:71,244,614-71,244,624 gives the same sequence; the c. name uses the placement nearest the transcript's 3' end. VCF-style (leftmost placement, unchanged base first): chr8-71244613-TTAAAAAA-T. GRCh37 (hg19) VCF-style: chr8-72156848-TTAAAAAA-T.
Other names: c.1105_1111del, p.Phe369fs (NM_001288574.2); c.757_763del, p.Phe253fs (NM_001288575.2); c.1210_1216del, p.Phe404fs (NM_001370333.1); c.1123_1129del, p.Phe375fs (NM_001370334.1, NM_001370335.1, NM_172058.4); c.1024_1030del, p.Phe342fs (NM_001411797.1, NM_172060.4); c.1119+25120_1119+25126del (NM_001370336.1); c.1122+25120_1122+25126del (NM_172059.5); short protein forms F253fs, F342fs, F369fs, F375fs, F404fs.
Identifiers: ClinVar variation 3601092 (VCV003601092.1).